The following is an entry in ClinVar:

ClinVar aggregate classification (germline): Benign. Review status: criteria provided, multiple submitters, no conflicts (2 of 4 stars). 2 submissions from 2 submitters: Benign (2). Last evaluated 2026-01-26.

Allele frequency attached by ClinVar (database versions not stated): 1000 Genomes Project 30x 0.00484; 1000 Genomes Project 0.00539; TOPMed 0.01029; ESP Exome Variant Server 0.01215; gnomAD 0.01274; ExAC 0.01425; gnomAD exomes 0.01692.
gnomAD v4.1: 26,481 of 1,611,014 alleles (1.6%); highest among the groups gnomAD compares: Non-Finnish European, 1.8%; 266 homozygotes.

Submissions (2):

Labcorp Genetics (formerly Invitae), Labcorp
Classification: Benign. Last evaluated: 2026-01-26. Review status: criteria provided, single submitter. Criteria: Invitae Variant Classification Sherloc (09022015). Collection method: clinical testing. Allele origin: germline.

Mayo Clinic Laboratories, Mayo Clinic
Classification: Benign. Last evaluated: 2023-04-20. Review status: criteria provided, single submitter. Criteria: ACMG Guidelines, 2015. Collection method: clinical testing. Allele origin: germline. Observed: 8 variant alleles.
Comment: BS1, BS2, BP4

NM_021222.3(PRUNE1):c.1343C>T (p.Ala448Val)

Gene: PRUNE1 (prune exopolyphosphatase 1; plus strand). Cytogenetic location: 1q21.3.
Variant type: single nucleotide variant.
Coding change: c.1343C>T on transcript NM_021222.3 (MANE Select); coding-DNA position 1343, C replaced by T.
Protein change: p.Ala448Val; replaces alanine 448 with valine.
Molecular consequence: missense variant. On other transcripts: non-coding transcript variant (4).
Genome position (GRCh38, 1-based): chr1:151,034,215, C>T. VCF-style: chr1-151034215-C-T. GRCh37 (hg19) VCF-style: chr1-151006691-C-T.
Other names: p.Ala448Val; c.797C>T, p.Ala266Val (NM_001303229.2); c.1184C>T, p.Ala395Val (NM_001303242.2); c.740C>T, p.Ala247Val (NM_001303243.2); short protein forms A247V, A266V, A395V, A448V.
Identifiers: ClinVar variation 2038171 (VCV002038171.5), dbSNP rs138602074, ClinGen allele CA1084002.